The following is an entry in ClinVar:

ClinVar aggregate classification (germline): Uncertain significance (1 of 4 stars; one submission).

Allele frequency attached by ClinVar (database versions not stated): gnomAD exomes below 0.00001.

Submission:

Ambry Genetics
Classification: Uncertain significance. Last evaluated: 2023-08-30. Review status: criteria provided, single submitter. Criteria: Ambry Variant Classification Scheme 2023. Collection method: clinical testing. Allele origin: germline.
Comment: The p.P1300T variant (also known as c.3898C>A), located in coding exon 4 of the ALPK2 gene, results from a C to A substitution at nucleotide position 3898. The proline at codon 1300 is replaced by threonine, an amino acid with highly similar properties. This amino acid position is conserved. In addition, this alteration is predicted to be tolerated by in silico analysis. Since supporting evidence is limited at this time, the clinical significance of this alteration remains unclear.

NM_052947.4(ALPK2):c.3898C>A (p.Pro1300Thr)

Genes: ALPK2 (alpha kinase 2; minus strand), LOC126862764 (BRD4-independent group 4 enhancer GRCh37_chr18:56202574-56203773; plus strand). Cytogenetic location: 18q21.31.
Variant type: single nucleotide variant.
Coding change: c.3898C>A on transcript NM_052947.4 (MANE Select); coding-DNA position 3898, C replaced by A.
Protein change: p.Pro1300Thr; replaces proline 1300 with threonine.
Molecular consequence: missense variant.
Genome position (GRCh38, 1-based): chr18:58,536,289, G>T on the plus strand (C>A on the coding strand, the complement: ALPK2 is on the minus strand). VCF-style: chr18-58536289-G-T. GRCh37 (hg19) VCF-style: chr18-56203521-G-T.
Other names: short protein forms P1300T.
Identifiers: ClinVar variation 1735955 (VCV001735955.3), dbSNP rs111306286, ClinGen allele CA402565269.